The following is an entry in ClinVar:

ClinVar aggregate classification (germline): Pathogenic/Likely pathogenic. Review status: criteria provided, multiple submitters, no conflicts (2 of 4 stars). 9 submissions from 9 submitters: Pathogenic (4); Likely pathogenic (2). 3 of the submissions do not count toward it. Last evaluated 2026-01-27.

Conditions:
CEP83-related disorder. Also called: CEP83-related condition.
Nephronophthisis 18 (NPHP18). Identifiers: Orphanet 655, MedGen C3890591, MONDO:0014374, OMIM 615862.

Allele frequency attached by ClinVar (database versions not stated): ESP Exome Variant Server 0.00008; gnomAD 0.00008 and 0.00009; TOPMed 0.00008; ExAC 0.00009; gnomAD exomes 0.00011 and 0.00015.

Submissions (9):

Labcorp Genetics (formerly Invitae), Labcorp
Classification: Pathogenic for Nephronophthisis 18. Last evaluated: 2026-01-27. Review status: criteria provided, single submitter. Criteria: Invitae Variant Classification Sherloc (09022015). Collection method: clinical testing. Allele origin: germline.
Comment: This sequence change creates a premature translational stop signal (p.Arg209*) in the CEP83 gene. It is expected to result in an absent or disrupted protein product. Loss-of-function variants in CEP83 are known to be pathogenic (PMID: 23530209, 24882706). This variant is present in population databases (rs369483167, gnomAD 0.02%). This premature translational stop signal has been observed in individual(s) with nephronophthisis (PMID: 24882706). In at least one individual the data is consistent with being in trans (on the opposite chromosome) from a pathogenic variant. ClinVar contains an entry for this variant (Variation ID: 139545). For these reasons, this variant has been classified as Pathogenic.

PreventionGenetics, part of Exact Sciences
Classification: Pathogenic for CEP83-related condition. Last evaluated: 2025-07-09. Review status: criteria provided, single submitter. Criteria: ACMG Guidelines, 2015. Collection method: clinical testing. Allele origin: germline.
Comment: The CEP83 c.625C>T variant is predicted to result in premature protein termination (p.Arg209*). This variant was reported in the compound heterozygous state in an individual with infantile nephronophthisis & intellectual disability (Failler et al. 2014. PubMed ID: 24882706). This variant is reported in 0.021% of alleles in individuals of European (Non-Finnish) descent in gnomAD. Nonsense variants in CEP83 are expected to be pathogenic. This variant is interpreted as pathogenic.

GeneDx
Classification: Likely pathogenic. Last evaluated: 2024-07-26. Review status: criteria provided, single submitter. Criteria: GeneDx Variant Classification Process June 2021. Collection method: clinical testing. Allele origin: germline. Affected: yes.
Comment: Identified with another CEP83 variant in two unrelated patients with renal disease and retinal dystrophy in published literature, one of which was confirmed to be on the opposite allele (in trans) (PMID: 36672815, 24882706); Nonsense variant predicted to result in protein truncation or nonsense mediated decay in a gene for which loss of function is a known mechanism of disease; This variant is associated with the following publications: (PMID: 34426522, 33938610, 36672815, 24882706)

Blueprint Genetics
Classification: Likely pathogenic for CEP83-related disorders. Last evaluated: 2024-05-28. Review status: criteria provided, single submitter. Criteria: ACMG Guidelines, 2015. Collection method: clinical testing. Allele origin: germline. Affected: yes. Observed: 5 variant alleles.

Fulgent Genetics
Classification: Pathogenic for Nephronophthisis 18. Last evaluated: 2024-04-05. Review status: criteria provided, single submitter. Criteria: ACMG Guidelines, 2015. Collection method: clinical testing. Allele origin: germline.

Baylor Genetics
Classification: Pathogenic for Nephronophthisis 18. Last evaluated: 2023-03-15. Review status: criteria provided, single submitter. Criteria: ACMG Guidelines, 2015. Collection method: clinical testing. Allele origin: unknown.

OMIM
Classification: Pathogenic for NEPHRONOPHTHISIS 18. Last evaluated: 2014-06-05. Review status: no assertion criteria provided. Collection method: literature only. Allele origin: germline. Not counted in ClinVar's aggregate classification.

Diagnostic Laboratory, Department of Genetics, University Medical Center Groningen
Classification: Pathogenic. Review status: no assertion criteria provided. Collection method: clinical testing. Allele origin: germline. Affected: yes. Study: VKGL Data-share Consensus. Not counted in ClinVar's aggregate classification.

Genome Diagnostics Laboratory, University Medical Center Utrecht
Classification: Pathogenic. Review status: no assertion criteria provided. Collection method: clinical testing. Allele origin: germline. Affected: yes. Study: VKGL Data-share Consensus. Not counted in ClinVar's aggregate classification.

Literature cited by the submitters: PubMed 23530209 (cited by Labcorp Genetics (formerly Invitae), Labcorp); PubMed 24882706 (cited by Labcorp Genetics (formerly Invitae), Labcorp and OMIM).

NM_016122.3(CEP83):c.625C>T (p.Arg209Ter)

Gene: CEP83 (centrosomal protein 83; minus strand). Cytogenetic location: 12q22.
Variant type: single nucleotide variant.
Coding change: c.625C>T on transcript NM_016122.3 (MANE Select); coding-DNA position 625, C replaced by T.
Protein change: p.Arg209Ter; replaces arginine 209 with a stop codon.
Molecular consequence: nonsense. On other transcripts: non-coding transcript variant (3).
Genome position (GRCh38, 1-based): chr12:94,378,967, G>A on the plus strand (C>T on the coding strand, the complement: CEP83 is on the minus strand). VCF-style: chr12-94378967-G-A. GRCh37 (hg19) VCF-style: chr12-94772743-G-A.
Other names: c.625C>T, p.Arg209Ter (NM_001042399.2, NM_001346457.2, NM_001346460.2 and 3 more transcripts); c.313C>T, p.Arg105Ter (NM_001346458.2, NM_001346459.2, NM_001346462.2 and 2 more transcripts); c.400C>T, p.Arg134Ter (NM_001368041.1); c.88C>T, p.Arg30Ter (NM_001368042.1); short protein forms R209*, R105*, R134*, R30*.
Identifiers: ClinVar variation 139545 (VCV000139545.18), dbSNP rs369483167, ClinGen allele CA163256.